The following is an entry in ClinVar:

ClinVar aggregate classification (germline): Uncertain significance (1 of 4 stars; one submission).

Conditions:
DICER1-related tumor predisposition. Also called: DICER1-related pleuropulmonary blastoma cancer predisposition syndrome; DICER1 syndrome. Identifiers: Orphanet 284343, MedGen C3839822, MONDO:0100216.

Submission:

Labcorp Genetics (formerly Invitae), Labcorp
Classification: Uncertain significance for DICER1-related tumor predisposition. Last evaluated: 2024-12-21. Review status: criteria provided, single submitter. Criteria: Invitae Variant Classification Sherloc (09022015). Collection method: clinical testing. Allele origin: germline.
Comment: This sequence change replaces serine, which is neutral and polar, with glycine, which is neutral and non-polar, at codon 685 of the DICER1 protein (p.Ser685Gly). This variant is not present in population databases (gnomAD no frequency). This variant has not been reported in the literature in individuals affected with DICER1-related conditions. Invitae Evidence Modeling of protein sequence and biophysical properties (such as structural, functional, and spatial information, amino acid conservation, physicochemical variation, residue mobility, and thermodynamic stability) indicates that this missense variant is not expected to disrupt DICER1 protein function with a negative predictive value of 95%. In summary, the available evidence is currently insufficient to determine the role of this variant in disease. Therefore, it has been classified as a Variant of Uncertain Significance.

NM_177438.3(DICER1):c.2053A>G (p.Ser685Gly)

Gene: DICER1 (dicer 1, ribonuclease III; minus strand). Cytogenetic location: 14q32.13.
Variant type: single nucleotide variant.
Coding change: c.2053A>G on transcript NM_177438.3 (MANE Select); coding-DNA position 2053, A replaced by G.
Protein change: p.Ser685Gly; replaces serine 685 with glycine.
Molecular consequence: missense variant. On other transcripts: non-coding transcript variant (6).
Genome position (GRCh38, 1-based): chr14:95,112,235, T>C on the plus strand (A>G on the coding strand, the complement: DICER1 is on the minus strand). VCF-style: chr14-95112235-T-C. GRCh37 (hg19) VCF-style: chr14-95578572-T-C.
Other names: c.2053A>G, p.Ser685Gly (NM_030621.4, NM_001195573.1, NM_001271282.3 and 12 more transcripts); c.1771A>G, p.Ser591Gly (NM_001395686.1); c.1648A>G, p.Ser550Gly (NM_001395687.1, NM_001395688.1, NM_001395689.1 and 3 more transcripts); c.1486A>G, p.Ser496Gly (NM_001395691.1); c.370A>G, p.Ser124Gly (NM_001395697.1); short protein forms S496G, S685G, S550G, S124G, S591G.
Identifiers: ClinVar variation 3678454 (VCV003678454.2).